The following is an entry in ClinVar:

ClinVar aggregate classification (germline): Uncertain significance (1 of 4 stars; one submission).

gnomAD v4.1: 3 of 1,614,026 alleles (0.00019%); highest among the groups gnomAD compares: Non-Finnish European, 0.000085%; no homozygotes.

Submission:

Labcorp Genetics (formerly Invitae), Labcorp
Classification: Uncertain significance. Last evaluated: 2022-06-27. Review status: criteria provided, single submitter. Criteria: Invitae Variant Classification Sherloc (09022015). Collection method: clinical testing. Allele origin: germline.
Comment: This variant is not present in population databases (gnomAD no frequency). This variant has not been reported in the literature in individuals affected with TNFRSF11A-related conditions. Algorithms developed to predict the effect of missense changes on protein structure and function (SIFT, PolyPhen-2, Align-GVGD) all suggest that this variant is likely to be tolerated. In summary, the available evidence is currently insufficient to determine the role of this variant in disease. Therefore, it has been classified as a Variant of Uncertain Significance. This sequence change replaces threonine, which is neutral and polar, with isoleucine, which is neutral and non-polar, at codon 35 of the TNFRSF11A protein (p.Thr35Ile).

NM_003839.4(TNFRSF11A):c.104C>T (p.Thr35Ile)

Gene: TNFRSF11A (TNF receptor superfamily member 11a; plus strand). Cytogenetic location: 18q21.33.
Variant type: single nucleotide variant.
Coding change: c.104C>T on transcript NM_003839.4 (MANE Select); coding-DNA position 104, C replaced by T.
Protein change: p.Thr35Ile; replaces threonine 35 with isoleucine.
Molecular consequence: missense variant.
Genome position (GRCh38, 1-based): chr18:62,348,196, C>T. VCF-style: chr18-62348196-C-T. GRCh37 (hg19) VCF-style: chr18-60015429-C-T.
Other names: c.104C>T, p.Thr35Ile (NM_001270949.2, NM_001270950.2, NM_001270951.2 and 1 more transcripts); short protein forms T35I.
Identifiers: ClinVar variation 2091436 (VCV002091436.4), dbSNP rs1444245437, ClinGen allele CA402609777.